The following is an entry in ClinVar:

ClinVar aggregate classification (germline): Conflicting classifications of pathogenicity. Review status: criteria provided, conflicting classifications (1 of 4 stars). 5 submissions from 5 submitters: Uncertain significance (1); Benign (3). 1 of the submissions does not count toward it. Last evaluated 2026-02-01.

Conditions:
TPP2-related disorder. Also called: TPP2-related condition.
Inborn genetic diseases. Identifiers: MedGen C0950123, MeSH D030342.
Evans syndrome, immunodeficiency, and premature immunosenescence associated with tripeptidyl-peptidase II deficiency. Identifiers: MedGen CN231723. Disease mechanism: loss of function.

Allele frequency attached by ClinVar (database versions not stated): 1000 Genomes Project 0.00020; 1000 Genomes Project 30x 0.00031; TOPMed 0.00154; ESP Exome Variant Server 0.00178; gnomAD 0.00194 and 0.00201; gnomAD exomes 0.00220 and 0.00286; ExAC 0.00448.

Submissions (5):

Labcorp Genetics (formerly Invitae), Labcorp
Classification: Benign for Evans syndrome, immunodeficiency, and premature immunosenescence associated with tripeptidyl-peptidase II deficiency. Last evaluated: 2026-02-01. Review status: criteria provided, single submitter. Criteria: Invitae Variant Classification Sherloc (09022015). Collection method: clinical testing. Allele origin: germline.

CeGaT Center for Human Genetics Tuebingen
Classification: Benign. Last evaluated: 2025-03-01. Review status: criteria provided, single submitter. Criteria: CeGaT Center For Human Genetics Tuebingen Variant Classification Criteria Version 2. Collection method: clinical testing. Allele origin: germline. Affected: yes. Observed: 1 variant allele.
Comment: TPP2: BS1, BS2

Ambry Genetics
Classification: Uncertain significance for Inborn genetic diseases. Last evaluated: 2025-02-09. Review status: criteria provided, single submitter. Criteria: Ambry Variant Classification Scheme 2023. Collection method: clinical testing. Allele origin: germline.

Breakthrough Genomics
Classification: Benign. Review status: criteria provided, single submitter. Criteria: ACMG Guidelines, 2015. Collection method: not provided. Allele origin: germline. Inheritance: Autosomal recessive inheritance. Affected: yes.

PreventionGenetics, part of Exact Sciences
Classification: Benign for TPP2-related condition. Last evaluated: 2019-10-28. Review status: no assertion criteria provided. Collection method: clinical testing. Allele origin: germline. Not counted in ClinVar's aggregate classification.
Comment: This variant is classified as benign based on ACMG/AMP sequence variant interpretation guidelines (Richards et al. 2015 PMID: 25741868, with internal and published modifications).

NM_001330588.2(TPP2):c.121G>A (p.Ala41Thr)

Gene: TPP2 (tripeptidyl peptidase 2; plus strand). Cytogenetic location: 13q33.1.
Variant type: single nucleotide variant.
Coding change: c.121G>A on transcript NM_001330588.2 (MANE Select); coding-DNA position 121, G replaced by A.
Protein change: p.Ala41Thr; replaces alanine 41 with threonine.
Molecular consequence: missense variant. On other transcripts: non-coding transcript variant (1).
Genome position (GRCh38, 1-based): chr13:102,597,159, G>A. VCF-style: chr13-102597159-G-A. GRCh37 (hg19) VCF-style: chr13-103249509-G-A.
Other names: c.121G>A, p.Ala41Thr (NM_001367947.1, NM_003291.4); c.121G>A (NM_003291.3); short protein forms A41T.
Identifiers: ClinVar variation 791081 (VCV000791081.23), dbSNP rs200366836, ClinGen allele CA7037407.